The following is an entry in ClinVar:

ClinVar aggregate classification (germline): Conflicting classifications of pathogenicity. Review status: criteria provided, conflicting classifications (1 of 4 stars). 2 submissions from 2 submitters: Uncertain significance (1); Likely benign (1). Last evaluated 2023-01-27.

Conditions:
Aicardi-Goutieres syndrome 7 (AGS7). Identifiers: Orphanet 51, MedGen C3888244, MONDO:0014367, OMIM 615846.
Singleton-Merten syndrome 1 (SGMRT1). Also called: Widened medullary cavities of bone, aortic calcification, abnormal dentition, and muscular weakness; Syndrome of widened medullary cavities of the metacarpals and phalanges, aortic calcification and abnormal dentition. Identifiers: Orphanet 85191, MedGen C4225427, MONDO:0024535, OMIM 182250.

Submissions (2):

Labcorp Genetics (formerly Invitae), Labcorp
Classification: Likely benign for Aicardi-Goutieres syndrome 7; Singleton-Merten syndrome 1. Last evaluated: 2023-01-27. Review status: criteria provided, single submitter. Criteria: Invitae Variant Classification Sherloc (09022015). Collection method: clinical testing. Allele origin: germline.

GeneDx
Classification: Uncertain significance. Last evaluated: 2022-08-31. Review status: criteria provided, single submitter. Criteria: GeneDx Variant Classification Process June 2021. Collection method: clinical testing. Allele origin: germline. Affected: yes.
Comment: Not observed at significant frequency in large population cohorts (gnomAD); Has not been previously published as pathogenic or benign to our knowledge; Frameshift variant predicted to result in protein truncation or nonsense mediated decay in a gene for which loss-of-function is not a known mechanism of disease

NM_022168.4(IFIH1):c.1358del (p.Val453fs)

Gene: IFIH1 (interferon induced with helicase C domain 1; minus strand). Cytogenetic location: 2q24.2.
Variant type: Deletion.
Coding change: c.1358del on transcript NM_022168.4 (MANE Select); coding-DNA position 1358, one base deleted (T; older notation c.1358delT).
Protein change: p.Val453fs; shifts the reading frame from valine 453.
Molecular consequence: frameshift variant.
Genome position (GRCh38, 1-based): chr2:162,281,494, A deleted on the plus strand (T on the coding strand, the reverse complement: IFIH1 is on the minus strand). VCF-style (leftmost placement, unchanged base first): chr2-162281493-CA-C. GRCh37 (hg19) VCF-style: chr2-163138003-CA-C.
Other names: short protein forms V453fs.
Identifiers: ClinVar variation 2442526 (VCV002442526.4), dbSNP rs2468964328, ClinGen allele CA2580064167.